The following is an entry in ClinVar:

ClinVar aggregate classification (germline): Likely benign (1 of 4 stars; one submission).

Allele frequency attached by ClinVar (database versions not stated): gnomAD 0.00004.

Submission:

CeGaT Center for Human Genetics Tuebingen
Classification: Likely benign. Last evaluated: 2023-06-01. Review status: criteria provided, single submitter. Criteria: CeGaT Center For Human Genetics Tuebingen Variant Classification Criteria Version 2. Collection method: clinical testing. Allele origin: germline. Affected: yes. Observed: 1 variant allele.
Comment: NBPF9: BP4, BP7

NM_001388367.1(NBPF9):c.2208C>T (p.Tyr736=)

Gene: NBPF9 (NBPF member 9; minus strand). Cytogenetic location: 1q21.2.
Variant type: single nucleotide variant.
Coding change: c.2208C>T on transcript NM_001388367.1 (MANE Select); coding-DNA position 2208, C replaced by T.
Protein change: p.Tyr736=; no amino-acid change (tyrosine 736 retained).
Molecular consequence: synonymous variant.
Genome position (GRCh38, 1-based): chr1:149,062,136, G>A on the plus strand (C>T on the coding strand, the complement: NBPF9 is on the minus strand). VCF-style: chr1-149062136-G-A. GRCh37 (hg19) VCF-style: chr1-144825482-C-T.
Other names: c.2208C>T, p.Tyr736= (NM_001037675.4, NM_001277444.2, NM_001388366.1 and 15 more transcripts); c.2097C>T, p.Tyr699= (NM_001388371.1).
Identifiers: ClinVar variation 2639066 (VCV002639066.24), dbSNP rs1553650154, ClinGen allele CA889048390.
Genomic context (GRCh38, chr1:149,062,136, plus strand): 5'-CATAGTAAGGTACTCACTGTCCAAGTCAAGAGCCAAGCCAAGGTACTGTTCCTCCAATGA[G>A]TAAACAGCACTGCTGTAGGGCTGGCCTAAGTCAGGCAGTTCAAGATAACCTGAAGGAGTC-3'
Protein context (NP_001375296.1, residues 726-746): DLGQPYSSAV[Tyr736=]SLEEQYLGLA